The following is an entry in ClinVar:

ClinVar aggregate classification (germline): Likely benign (1 of 4 stars; one submission).

Conditions:
PLXNA1-related disorder. Also called: PLXNA1-related condition.

gnomAD v4.1: 5 of 1,613,652 alleles (0.00031%); highest among the groups gnomAD compares: African/African-American, 0.004%; no homozygotes.

Submission:

PreventionGenetics, part of Exact Sciences
Classification: Likely benign for PLXNA1-related condition. Last evaluated: 2025-08-15. Review status: criteria provided, single submitter. Criteria: ACMG Guidelines, 2015. Collection method: clinical testing. Allele origin: germline.
Comment: This variant is classified as likely benign based on ACMG/AMP sequence variant interpretation guidelines (Richards et al. 2015 PMID: 25741868, with internal and published modifications).

NM_032242.4(PLXNA1):c.4971G>A (p.Val1657=)

Gene: PLXNA1 (plexin A1; plus strand). Cytogenetic location: 3q21.3.
Variant type: single nucleotide variant.
Coding change: c.4971G>A on transcript NM_032242.4 (MANE Select); coding-DNA position 4971, G replaced by A.
Protein change: p.Val1657=; no amino-acid change (valine 1657 retained).
Molecular consequence: synonymous variant.
Genome position (GRCh38, 1-based): chr3:127,029,974, G>A. VCF-style: chr3-127029974-G-A. GRCh37 (hg19) VCF-style: chr3-126748817-G-A.
Identifiers: ClinVar variation 4986399 (VCV004986399.1).